The following is an entry in ClinVar:

ClinVar aggregate classification (germline): Uncertain significance. Review status: criteria provided, multiple submitters, no conflicts (2 of 4 stars). 2 submissions from 2 submitters: Uncertain significance (2). Last evaluated 2022-02-10.

Conditions:
Inborn genetic diseases. Identifiers: MedGen C0950123, MeSH D030342.

Allele frequency attached by ClinVar (database versions not stated): gnomAD exomes below 0.00001 and 0.00001; gnomAD 0.00001; TOPMed 0.00002.
gnomAD v4.1: 11 of 1,612,724 alleles (0.00068%); highest among the groups gnomAD compares: African/African-American, 0.0013%; no homozygotes.

Submissions (2):

Labcorp Genetics (formerly Invitae), Labcorp
Classification: Uncertain significance. Last evaluated: 2022-02-10. Review status: criteria provided, single submitter. Criteria: Invitae Variant Classification Sherloc (09022015). Collection method: clinical testing. Allele origin: germline.
Comment: This sequence change replaces proline, which is neutral and non-polar, with leucine, which is neutral and non-polar, at codon 1037 of the COL11A2 protein (p.Pro1037Leu). The frequency data for this variant in the population databases is considered unreliable, as metrics indicate poor data quality at this position in the gnomAD database. This variant has not been reported in the literature in individuals affected with COL11A2-related conditions. ClinVar contains an entry for this variant (Variation ID: 1004012). Advanced modeling of protein sequence and biophysical properties (such as structural, functional, and spatial information, amino acid conservation, physicochemical variation, residue mobility, and thermodynamic stability) performed at Invitae indicates that this missense variant is not expected to disrupt COL11A2 protein function. In summary, the available evidence is currently insufficient to determine the role of this variant in disease. Therefore, it has been classified as a Variant of Uncertain Significance.

Ambry Genetics
Classification: Uncertain significance for Inborn genetic diseases. Last evaluated: 2021-12-20. Review status: criteria provided, single submitter. Criteria: Ambry Variant Classification Scheme 2023. Collection method: clinical testing. Allele origin: germline.

NM_080680.3(COL11A2):c.3110C>T (p.Pro1037Leu)

Gene: COL11A2 (collagen type XI alpha 2 chain; minus strand). Cytogenetic location: 6p21.32.
Variant type: single nucleotide variant.
Coding change: c.3110C>T on transcript NM_080680.3 (MANE Select); coding-DNA position 3110, C replaced by T.
Protein change: p.Pro1037Leu; replaces proline 1037 with leucine.
Molecular consequence: missense variant.
Genome position (GRCh38, 1-based): chr6:33,171,753, G>A on the plus strand (C>T on the coding strand, the complement: COL11A2 is on the minus strand). VCF-style: chr6-33171753-G-A. GRCh37 (hg19) VCF-style: chr6-33139530-G-A.
Other names: c.2789C>T, p.Pro930Leu (NM_080679.3); c.2852C>T, p.Pro951Leu (NM_080681.3); c.3110C>T (NM_080680.2); short protein forms P1037L, P930L, P951L.
Identifiers: ClinVar variation 1004012 (VCV001004012.11), dbSNP rs1048400213, ClinGen allele CA137067499.
Genomic context (GRCh38, chr6:33,171,753, plus strand): 5'-CCCAATACCCCCACACTCACTGGGACACCTTTCTCTCCTGCTGCTCCAGGGGGACCCTGC[G>A]GGCCTGGGCGCCCTGGCGGACCAATGGGTCCCCCTGATCCTGCTGCACCTCGTTCCCCAG-3'
Protein context (NP_542411.2, residues 1027-1047): GPIGPPGRPG[Pro1037Leu]QGPPGAAGEK